The following is an entry in ClinVar:

ClinVar aggregate classification (germline): Uncertain significance. Review status: criteria provided, multiple submitters, no conflicts (2 of 4 stars). 4 submissions from 4 submitters: Uncertain significance (4). Last evaluated 2025-10-30.

Conditions:
Cardiovascular phenotype. Identifiers: MedGen CN230736.
Aortic aneurysm, familial thoracic 9 (AAT9). Identifiers: MedGen C4015368, MONDO:0014514, OMIM 616166.

Allele frequency attached by ClinVar (database versions not stated): ExAC 0.00002; gnomAD 0.00002; gnomAD exomes 0.00002; TOPMed 0.00002; ESP Exome Variant Server 0.00008.
gnomAD v4.1: 15 of 1,613,892 alleles (0.00093%); highest among the groups gnomAD compares: African/African-American, 0.0013%; no homozygotes.

Submissions (4):

Ambry Genetics
Classification: Uncertain significance for Cardiovascular phenotype. Last evaluated: 2025-10-30. Review status: criteria provided, single submitter. Criteria: Ambry Variant Classification Scheme 2023. Collection method: clinical testing. Allele origin: germline.
Comment: The c.395A>T (p.H132L) alteration is located in exon 9 (coding exon 8) of the MFAP5 gene. This alteration results from a A to T substitution at nucleotide position 395, causing the histidine (H) at amino acid position 132 to be replaced by a leucine (L). Based on data from gnomAD, the T allele has an overall frequency of 0.002% (6/282794) total alleles studied. The highest observed frequency was 0.004% (1/24966) of African alleles. Based on insufficient or conflicting evidence, the clinical significance of this alteration remains unclear.

Labcorp Genetics (formerly Invitae), Labcorp
Classification: Uncertain significance. Last evaluated: 2025-05-05. Review status: criteria provided, single submitter. Criteria: Invitae Variant Classification Sherloc (09022015). Collection method: clinical testing. Allele origin: germline.
Comment: This sequence change replaces histidine, which is basic and polar, with leucine, which is neutral and non-polar, at codon 132 of the MFAP5 protein (p.His132Leu). This variant is present in population databases (rs374890052, gnomAD 0.004%). This variant has not been reported in the literature in individuals affected with MFAP5-related conditions. ClinVar contains an entry for this variant (Variation ID: 432423). An algorithm developed to predict the effect of missense changes on protein structure and function (PolyPhen-2) suggests that this variant is likely to be disruptive. In summary, the available evidence is currently insufficient to determine the role of this variant in disease. Therefore, it has been classified as a Variant of Uncertain Significance.

ARUP Laboratories, Molecular Genetics and Genomics, ARUP Laboratories
Classification: Uncertain significance for Aortic aneurysm, familial thoracic 9. Last evaluated: 2023-09-19. Review status: criteria provided, single submitter. Criteria: ARUP Molecular Germline Variant Investigation Process 2024. Collection method: clinical testing. Allele origin: germline.
Comment: The MFAP5 c.395A>T; p.His132Leu variant (rs374890052), to our knowledge, is not reported in the medical literature but is reported in ClinVar (Variation ID: 432423). This variant is found in the general population with an overall allele frequency of 0.0021% (6/282794 alleles) in the Genome Aggregation Database. Computational analyses are uncertain whether this variant is neutral or deleterious (REVEL: 0.347). Due to limited information, the clinical significance of this variant is uncertain at this time.

GeneDx
Classification: Uncertain significance. Last evaluated: 2020-08-12. Review status: criteria provided, single submitter. Criteria: GeneDx Variant Classification Process June 2021. Collection method: clinical testing. Allele origin: germline. Affected: yes.
Comment: Not observed at a significant frequency in large population cohorts (Lek et al., 2016); In silico analysis supports that this missense variant has a deleterious effect on protein structure/function; Has not been previously published as pathogenic or benign to our knowledge; Variants in candidate genes are classified as variants of uncertain significance in accordance with ACMG guidelines (Richards et al., 2015)

NM_003480.4(MFAP5):c.395A>T (p.His132Leu)

Gene: MFAP5 (microfibril associated protein 5; minus strand). Cytogenetic location: 12p13.31.
Variant type: single nucleotide variant.
Coding change: c.395A>T on transcript NM_003480.4 (MANE Select); coding-DNA position 395, A replaced by T.
Protein change: p.His132Leu; replaces histidine 132 with leucine.
Molecular consequence: missense variant. On other transcripts: non-coding transcript variant (2), intron variant (1).
Genome position (GRCh38, 1-based): chr12:8,649,515, T>A on the plus strand (A>T on the coding strand, the complement: MFAP5 is on the minus strand). VCF-style: chr12-8649515-T-A. GRCh37 (hg19) VCF-style: chr12-8802111-T-A.
Other names: c.365A>T, p.His122Leu (NM_001297709.2); c.329A>T, p.His110Leu (NM_001297710.2); c.320A>T, p.His107Leu (NM_001297711.2); c.218-1312A>T (NM_001297712.2); short protein forms H132L, H107L, H110L, H122L.
Identifiers: ClinVar variation 432423 (VCV000432423.15), dbSNP rs374890052, ClinGen allele CA6434591.
Genomic context (GRCh38, chr12:8,649,515, plus strand): 5'-TTCTCATAACTGCTTCTCTCCATTAAACATCCAGACATCATCTTACCTTTCATAGCTTCG[T>A]GTTCCTTACAGACAAGACGAGAGCAGATCTCCTTGTTGACGATGTACATACGTCGTAAAC-3'
Protein context (NP_003471.1, residues 122-142): EICSRLVCKE[His132Leu]EAMKDELCRQ